The following is an entry in ClinVar:

ClinVar aggregate classification (germline): Uncertain significance. Review status: criteria provided, multiple submitters, no conflicts (2 of 4 stars). 3 submissions from 3 submitters: Uncertain significance (3). Last evaluated 2024-05-22.

Conditions:
Hereditary cancer-predisposing syndrome. Also called: Tumor predisposition; Hereditary neoplastic syndrome; Hereditary Cancer Syndrome; Neoplastic Syndromes, Hereditary. Identifiers: Orphanet 140162, MedGen C0027672, MeSH D009386, MONDO:0015356.
Classic or attenuated familial adenomatous polyposis. Identifiers: MedGen CN372698, MONDO:0021057.
Familial adenomatous polyposis 1 (FAP1). Also called: POLYPOSIS, ADENOMATOUS INTESTINAL; FAMILIAL ADENOMATOUS POLYPOSIS 1, ATTENUATED. Identifiers: MedGen C2713442, MONDO:0021056, OMIM 175100. Disease mechanism: loss of function.

Allele frequency attached by ClinVar (database versions not stated): gnomAD exomes below 0.00001 and 0.00001; ExAC 0.00001; gnomAD 0.00001.
gnomAD v4.1: 2 of 1,613,468 alleles (0.00012%); highest among the groups gnomAD compares: Non-Finnish European, 0.00017%; no homozygotes.

Submissions (3):

Labcorp Genetics (formerly Invitae), Labcorp
Classification: Uncertain significance for Familial adenomatous polyposis 1. Last evaluated: 2024-05-22. Review status: criteria provided, single submitter. Criteria: Invitae Variant Classification Sherloc (09022015). Collection method: clinical testing. Allele origin: germline.
Comment: This sequence change replaces serine, which is neutral and polar, with phenylalanine, which is neutral and non-polar, at codon 1968 of the APC protein (p.Ser1968Phe). This variant is present in population databases (rs760596580, gnomAD 0.002%). This variant has not been reported in the literature in individuals affected with APC-related conditions. ClinVar contains an entry for this variant (Variation ID: 1052660). Advanced modeling of protein sequence and biophysical properties (such as structural, functional, and spatial information, amino acid conservation, physicochemical variation, residue mobility, and thermodynamic stability) has been performed at Invitae for this missense variant, however the output from this modeling did not meet the statistical confidence thresholds required to predict the impact of this variant on APC protein function. In summary, the available evidence is currently insufficient to determine the role of this variant in disease. Therefore, it has been classified as a Variant of Uncertain Significance.

Ambry Genetics
Classification: Uncertain significance for Hereditary cancer-predisposing syndrome. Last evaluated: 2024-01-14. Review status: criteria provided, single submitter. Criteria: Ambry Variant Classification Scheme 2023. Collection method: clinical testing. Allele origin: germline.
Comment: The p.S1968F variant (also known as c.5903C>T), located in coding exon 15 of the APC gene, results from a C to T substitution at nucleotide position 5903. The serine at codon 1968 is replaced by phenylalanine, an amino acid with highly dissimilar properties. This amino acid position is conserved. In addition, in silico predictors for this gene do not accurately predict pathogenicity. Since supporting evidence is limited at this time, the clinical significance of this alteration remains unclear.

All of Us Research Program, National Institutes of Health
Classification: Uncertain significance for Classic or attenuated familial adenomatous polyposis. Last evaluated: 2023-12-01. Review status: criteria provided, single submitter. Criteria: ACMG Guidelines, 2015. Collection method: clinical testing. Allele origin: germline. Inheritance: Autosomal dominant inheritance. Observed: 1 variant allele, 1 heterozygote.
Comment: This study involves interpretation of variants in research participants for the purpose of population health screening. Participant phenotype was not available at the time of variant classification. Additional details can be found in publication PMID: 35346344, PMCID: PMC8962531

NM_000038.6(APC):c.5903C>T (p.Ser1968Phe)

Gene: APC (APC regulator of Wnt signaling pathway; plus strand). Cytogenetic location: 5q22.2.
Variant type: single nucleotide variant.
Coding change: c.5903C>T on transcript NM_000038.6 (MANE Select); coding-DNA position 5903, C replaced by T.
Protein change: p.Ser1968Phe; replaces serine 1968 with phenylalanine.
Molecular consequence: missense variant.
Genome position (GRCh38, 1-based): chr5:112,841,497, C>T. VCF-style: chr5-112841497-C-T. GRCh37 (hg19) VCF-style: chr5-112177194-C-T.
Other names: c.5903C>T, p.Ser1968Phe (NM_001127510.3, NM_001354895.2); c.5849C>T, p.Ser1950Phe (NM_001127511.3); c.5957C>T, p.Ser1986Phe (NM_001354896.2); c.5933C>T, p.Ser1978Phe (NM_001354897.2); c.5828C>T, p.Ser1943Phe (NM_001354898.2); c.5819C>T, p.Ser1940Phe (NM_001354899.2); c.5780C>T, p.Ser1927Phe (NM_001354900.2); c.5726C>T, p.Ser1909Phe (NM_001354901.2); and 6 more; short protein forms S1685F, S1808F, S1842F, S1867F, S1877F, S1909F, S1927F, S1940F.
Identifiers: ClinVar variation 1052660 (VCV001052660.12), dbSNP rs760596580, ClinGen allele CA043356.
Genomic context (GRCh38, chr5:112,841,497, plus strand): 5'-ATGAAAAGTTACAGAATTTTGCTATTGAAAATACTCCGGTTTGCTTTTCTCATAATTCCT[C>T]TCTGAGTTCTCTCAGTGACATTGACCAAGAAAACAACAATAAAGAAAATGAACCTATCAA-3'
Protein context (NP_000029.2, residues 1958-1978): NTPVCFSHNS[Ser1968Phe]LSSLSDIDQE